The following is an entry in ClinVar:

ClinVar aggregate classification (germline): Uncertain significance. Review status: criteria provided, multiple submitters, no conflicts (2 of 4 stars). 2 submissions from 2 submitters: Uncertain significance (2). Last evaluated 2024-10-21.

Conditions:
DICER1-related tumor predisposition. Also called: DICER1 syndrome; DICER1-related pleuropulmonary blastoma cancer predisposition syndrome. Identifiers: Orphanet 284343, MedGen C3839822, MONDO:0100216.
Hereditary cancer-predisposing syndrome. Also called: Tumor predisposition; Hereditary neoplastic syndrome; Neoplastic Syndromes, Hereditary; Hereditary Cancer Syndrome. Identifiers: Orphanet 140162, MedGen C0027672, MeSH D009386, MONDO:0015356.

Allele frequency attached by ClinVar (database versions not stated): gnomAD exomes 0.00001; ExAC 0.00002.
gnomAD v4.1: 17 of 1,614,082 alleles (0.0011%); highest among the groups gnomAD compares: Non-Finnish European, 0.0014%; no homozygotes.

Submissions (2):

Labcorp Genetics (formerly Invitae), Labcorp
Classification: Uncertain significance for DICER1-related tumor predisposition. Last evaluated: 2024-10-21. Review status: criteria provided, single submitter. Criteria: Invitae Variant Classification Sherloc (09022015). Collection method: clinical testing. Allele origin: germline.
Comment: This sequence change replaces alanine, which is neutral and non-polar, with threonine, which is neutral and polar, at codon 496 of the DICER1 protein (p.Ala496Thr). This variant is present in population databases (rs779431881, gnomAD 0.002%). This variant has not been reported in the literature in individuals affected with DICER1-related conditions. ClinVar contains an entry for this variant (Variation ID: 1381041). Invitae Evidence Modeling of protein sequence and biophysical properties (such as structural, functional, and spatial information, amino acid conservation, physicochemical variation, residue mobility, and thermodynamic stability) indicates that this missense variant is not expected to disrupt DICER1 protein function with a negative predictive value of 95%. In summary, the available evidence is currently insufficient to determine the role of this variant in disease. Therefore, it has been classified as a Variant of Uncertain Significance.

Ambry Genetics
Classification: Uncertain significance for Hereditary cancer-predisposing syndrome. Last evaluated: 2024-08-28. Review status: criteria provided, single submitter. Criteria: Ambry Variant Classification Scheme 2023. Collection method: clinical testing. Allele origin: germline.
Comment: The p.A496T variant (also known as c.1486G>A), located in coding exon 8 of the DICER1 gene, results from a G to A substitution at nucleotide position 1486. The alanine at codon 496 is replaced by threonine, an amino acid with similar properties. This amino acid position is conserved. In addition, this alteration is predicted to be tolerated by in silico analysis. Based on the available evidence, the clinical significance of this variant remains unclear.

NM_177438.3(DICER1):c.1486G>A (p.Ala496Thr)

Gene: DICER1 (dicer 1, ribonuclease III; minus strand). Cytogenetic location: 14q32.13.
Variant type: single nucleotide variant.
Coding change: c.1486G>A on transcript NM_177438.3 (MANE Select); coding-DNA position 1486, G replaced by A.
Protein change: p.Ala496Thr; replaces alanine 496 with threonine.
Molecular consequence: missense variant.
Genome position (GRCh38, 1-based): chr14:95,117,645, C>T on the plus strand (G>A on the coding strand, the complement: DICER1 is on the minus strand). VCF-style: chr14-95117645-C-T. GRCh37 (hg19) VCF-style: chr14-95583982-C-T.
Other names: c.1486G>A, p.Ala496Thr (NM_001195573.1, NM_001271282.3, NM_001291628.2 and 1 more transcripts); c.1486G>A (NM_177438.2); short protein forms A496T.
Identifiers: ClinVar variation 1381041 (VCV001381041.10), dbSNP rs779431881, ClinGen allele CA7331475.
Genomic context (GRCh38, chr14:95,117,645, plus strand): 5'-AAAACTGTTATTGTACACTTATTTTGATTTAAGTTACCTCTTCCTGTTTTCTGAATTCTG[C>T]TTCCATCTGTTTGTTGCGAGGCTGATTCTTCCCAATGCCATGTCCAGTTATGAAATTGCT-3'
Protein context (NP_803187.1, residues 486-506): KNQPRNKQME[Ala496Thr]EFRKQEEVLR